The following is an entry in ClinVar:

ClinVar aggregate classification (germline): Uncertain significance (1 of 4 stars; one submission).

Submission:

Ambry Genetics
Classification: Uncertain significance. Last evaluated: 2025-11-15. Review status: criteria provided, single submitter. Criteria: Ambry Variant Classification Scheme 2023. Collection method: clinical testing. Allele origin: germline.
Comment: The p.K645E variant (also known as c.1933A>G), located in coding exon 14 of the RECQL gene, results from an A to G substitution at nucleotide position 1933. The lysine at codon 645 is replaced by glutamic acid, an amino acid with similar properties. This amino acid position is conserved. In addition, this alteration is predicted to be tolerated by in silico analysis. Based on the available evidence, the clinical significance of this variant remains unclear.

NM_002907.4(RECQL):c.1933A>G (p.Lys645Glu)

Genes: PYROXD1 (pyridine nucleotide-disulphide oxidoreductase domain 1; plus strand), RECQL (RecQ like helicase; minus strand). Cytogenetic location: 12p12.1.
Variant type: single nucleotide variant.
Coding change: c.1933A>G on transcript NM_002907.4 (MANE Select); coding-DNA position 1933, A replaced by G.
Protein change: p.Lys645Glu; replaces lysine 645 with glutamic acid.
Molecular consequence: missense variant. On other transcripts: 3 prime UTR variant (3).
Genome position (GRCh38, 1-based): chr12:21,470,211, T>C on the plus strand (A>G on the coding strand, the complement: RECQL is on the minus strand). VCF-style: chr12-21470211-T-C. GRCh37 (hg19) VCF-style: chr12-21623145-T-C.
Other names: c.1933A>G, p.Lys645Glu (NM_032941.3); c.*1457T>C (NM_001350912.2, NM_001350913.2, NM_024854.5); short protein forms K645E.
Identifiers: ClinVar variation 4576951 (VCV004576951.1).
Genomic context (GRCh38, chr12:21,470,211, plus strand): 5'-ATGCATAAACCATCTTTAATTAGAAAATTTAGTAACATTCATATCAGGCATCATCGATTT[T>C]TCTTTTCTTAGCTCCTGTATTCTTAGAACCAGATTGCTGAAGCATGTTTGCAGCCTTCTT-3'
Protein context (NP_002898.2, residues 635-649): GSKNTGAKKR[Lys645Glu]IDDA